The following is an entry in ClinVar:

NM_012295.4(CABIN1):c.6519+10G>A

Gene: CABIN1 (calcineurin binding protein 1; plus strand). Cytogenetic location: 22q11.23.
Variant type: single nucleotide variant.
Coding change: c.6519+10G>A on transcript NM_012295.4 (MANE Select); 10 bases into the intron after coding-DNA position 6519, G replaced by A.
Molecular consequence: intron variant.
Genome position (GRCh38, 1-based): chr22:24,177,827, G>A. VCF-style: chr22-24177827-G-A. GRCh37 (hg19) VCF-style: chr22-24573795-G-A.
Other names: c.6369+10G>A (NM_001201429.2); c.6519+10G>A (NM_001199281.1).
Identifiers: ClinVar variation 3352575 (VCV003352575.1).

ClinVar aggregate classification (germline): Likely benign (0 of 4 stars; one submission).

Conditions:
CABIN1-related disorder. Also called: CABIN1-related condition.

gnomAD v4.1: 116 of 1,604,892 alleles (0.0072%); highest among the groups gnomAD compares: Non-Finnish European, 0.0095%; no homozygotes.

Submission:

PreventionGenetics, part of Exact Sciences
Classification: Likely benign for CABIN1-related condition. Last evaluated: 2019-05-20. Review status: no assertion criteria provided. Collection method: clinical testing. Allele origin: germline.
Comment: This variant is classified as likely benign based on ACMG/AMP sequence variant interpretation guidelines (Richards et al. 2015 PMID: 25741868, with internal and published modifications).